The following is an entry in ClinVar:

ClinVar aggregate classification (germline): Conflicting classifications of pathogenicity. Review status: criteria provided, conflicting classifications (1 of 4 stars). 5 submissions from 5 submitters: Uncertain significance (4); Likely benign (1). Last evaluated 2025-11-26.

Conditions:
Ehlers-Danlos syndrome, classic type, 1 (EDSCL1). Also called: Ehlers-Danlos Syndrome, Classic Type, COL5A1-Related; EHLERS-DANLOS SYNDROME, GRAVIS TYPE; EHLERS-DANLOS SYNDROME, SEVERE CLASSIC TYPE; Ehlers-Danlos syndrome, type 1; EDS I. Identifiers: MedGen C0268335, MONDO:0019567, OMIM 130000.
Ehlers-Danlos syndrome (EDS). Identifiers: Orphanet 98249, MedGen C0013720, MONDO:0020066.
Familial thoracic aortic aneurysm and aortic dissection (TAAD). Also called: Thoracic aortic aneurysms and dissections. Identifiers: Orphanet 91387, MedGen C4707243, MONDO:0019625.

Allele frequency attached by ClinVar (database versions not stated): gnomAD exomes 0.00010 and 0.00005; ExAC 0.00008; ESP Exome Variant Server 0.00008; TOPMed 0.00008; gnomAD 0.00011.
gnomAD v4.1: 100 of 1,614,034 alleles (0.0062%); highest among the groups gnomAD compares: Admixed American, 0.018%; no homozygotes.

Submissions (5):

Labcorp Genetics (formerly Invitae), Labcorp
Classification: Likely benign for Ehlers-Danlos syndrome, classic type, 1. Last evaluated: 2025-11-26. Review status: criteria provided, single submitter. Criteria: Invitae Variant Classification Sherloc (09022015). Collection method: clinical testing. Allele origin: germline.

Ambry Genetics
Classification: Uncertain significance for Familial thoracic aortic aneurysm and aortic dissection. Last evaluated: 2024-06-27. Review status: criteria provided, single submitter. Criteria: Ambry Variant Classification Scheme 2023. Collection method: clinical testing. Allele origin: germline.
Comment: The p.R449W variant (also known as c.1345C>T), located in coding exon 9 of the COL5A1 gene, results from a C to T substitution at nucleotide position 1345. The arginine at codon 449 is replaced by tryptophan, an amino acid with dissimilar properties. This amino acid position is well conserved in available vertebrate species. In addition, this alteration is predicted to be deleterious by in silico analysis. Since supporting evidence is limited at this time, the clinical significance of this alteration remains unclear.

GeneDx
Classification: Uncertain significance. Last evaluated: 2023-05-03. Review status: criteria provided, single submitter. Criteria: GeneDx Variant Classification Process June 2021. Collection method: clinical testing. Allele origin: germline. Affected: yes.
Comment: Reported in association with atrioventricular nodal reentry tachycardia (AVNRT) in published literature (Luo et al., 2020); Not located in the triple helical region, where the majority of pathogenic missense variants occur (Symoens et al., 2012; HGMD); In silico analysis supports that this missense variant has a deleterious effect on protein structure/function; This variant is associated with the following publications: (PMID: 32508047, 22696272)

Mayo Clinic Laboratories, Mayo Clinic
Classification: Uncertain significance. Last evaluated: 2023-01-12. Review status: criteria provided, single submitter. Criteria: ACMG Guidelines, 2015. Collection method: clinical testing. Allele origin: germline. Observed: 1 variant allele.
Comment: BS1

Genome Diagnostics Laboratory, The Hospital for Sick Children
Classification: Uncertain significance for Ehlers-Danlos syndrome. Last evaluated: 2019-11-01. Review status: criteria provided, single submitter. Criteria: ACMG Guidelines, 2015. Collection method: clinical testing. Allele origin: germline.

Literature cited by the submitters: PubMed 32508047 (cited by Ambry Genetics and Mayo Clinic Laboratories, Mayo Clinic).

NM_000093.5(COL5A1):c.1345C>T (p.Arg449Trp)

Gene: COL5A1 (collagen type V alpha 1 chain; plus strand). Cytogenetic location: 9q34.3.
Variant type: single nucleotide variant.
Coding change: c.1345C>T on transcript NM_000093.5 (MANE Select); coding-DNA position 1345, C replaced by T.
Protein change: p.Arg449Trp; replaces arginine 449 with tryptophan.
Molecular consequence: missense variant.
Genome position (GRCh38, 1-based): chr9:134,732,083, C>T. VCF-style: chr9-134732083-C-T. GRCh37 (hg19) VCF-style: chr9-137623929-C-T.
Other names: p.R449W:CGG>TGG; p.Arg449Trp; c.1345C>T, p.Arg449Trp (NM_001278074.1); short protein forms R449W.
Identifiers: ClinVar variation 213023 (VCV000213023.24), dbSNP rs374020067, ClinGen allele CA321730.